The following is an entry in ClinVar:

ClinVar aggregate classification (germline): Uncertain significance (1 of 4 stars; one submission).

Conditions:
Hereditary cancer-predisposing syndrome. Also called: Tumor predisposition; Neoplastic Syndromes, Hereditary; Hereditary neoplastic syndrome; Hereditary Cancer Syndrome. Identifiers: Orphanet 140162, MedGen C0027672, MeSH D009386, MONDO:0015356.

gnomAD v4.1: 1 of 1,613,592 alleles (0.000062%); no homozygotes.

Submission:

Ambry Genetics
Classification: Uncertain significance for Hereditary cancer-predisposing syndrome. Last evaluated: 2025-09-01. Review status: criteria provided, single submitter. Criteria: Ambry Variant Classification Scheme 2023. Collection method: clinical testing. Allele origin: germline.
Comment: The p.G167S variant (also known as c.499G>A), located in coding exon 5 of the MITF gene, results from a G to A substitution at nucleotide position 499. The glycine at codon 167 is replaced by serine, an amino acid with similar properties. This amino acid position is conserved. In addition, this alteration is predicted to be tolerated by in silico analysis. Based on the available evidence, the clinical significance of this variant remains unclear.

NM_001354604.2(MITF):c.820G>A (p.Gly274Ser)

Gene: MITF (melanocyte inducing transcription factor; plus strand). Cytogenetic location: 3p13.
Variant type: single nucleotide variant.
Coding change: c.820G>A on transcript NM_001354604.2 (MANE Select); coding-DNA position 820, G replaced by A.
Protein change: p.Gly274Ser; replaces glycine 274 with serine.
Molecular consequence: missense variant.
Genome position (GRCh38, 1-based): chr3:69,949,108, G>A. VCF-style: chr3-69949108-G-A. GRCh37 (hg19) VCF-style: chr3-69998259-G-A.
Other names: c.499G>A, p.Gly167Ser (NM_000248.4, NM_198158.3); c.664G>A, p.Gly222Ser (NM_001184967.2, NM_001354608.2); c.817G>A, p.Gly273Ser (NM_001354605.2, NM_001354606.2, NM_006722.3); c.769G>A, p.Gly257Ser (NM_001354607.2); c.820G>A, p.Gly274Ser (NM_198159.3); c.772G>A, p.Gly258Ser (NM_198177.3); c.331G>A, p.Gly111Ser (NM_198178.3); short protein forms G167S, G222S, G111S, G257S, G274S, G258S, G273S.
Identifiers: ClinVar variation 4108320 (VCV004108320.1).